The following is an entry in ClinVar:

ClinVar aggregate classification (germline): Benign (0 of 4 stars; one submission).

Conditions:
MYO7B-related disorder. Also called: MYO7B-related condition.

Allele frequency attached by ClinVar (database versions not stated): ESP Exome Variant Server 0.37774; 1000 Genomes Project 30x 0.38898; 1000 Genomes Project 0.39077; gnomAD 0.39410; TOPMed 0.40303; gnomAD exomes 0.41388; ExAC 0.41654.
gnomAD v4.1: 663,421 of 1,611,110 alleles (41%); highest among the groups gnomAD compares: East Asian, 69%; 143,865 homozygotes.

Submission:

PreventionGenetics, part of Exact Sciences
Classification: Benign for MYO7B-related condition. Last evaluated: 2019-10-17. Review status: no assertion criteria provided. Collection method: clinical testing. Allele origin: germline.
Comment: This variant is classified as benign based on ACMG/AMP sequence variant interpretation guidelines (Richards et al. 2015 PMID: 25741868, with internal and published modifications).

NM_001393586.1(MYO7B):c.1691-7T>C

Gene: MYO7B (myosin VIIB; plus strand). Cytogenetic location: 2q14.3.
Variant type: single nucleotide variant.
Coding change: c.1691-7T>C on transcript NM_001393586.1 (MANE Select); 7 bases into the intron before coding-DNA position 1691, T replaced by C.
Molecular consequence: intron variant.
Genome position (GRCh38, 1-based): chr2:127,588,385, T>C. VCF-style: chr2-127588385-T-C. GRCh37 (hg19) VCF-style: chr2-128345960-T-C.
Other names: c.1691-7T>C (NM_001080527.2).
Identifiers: ClinVar variation 3060220 (VCV003060220.2), dbSNP rs10928773, ClinGen allele CA1860893.